The following is an entry in ClinVar:

ClinVar aggregate classification (germline): Uncertain significance. Review status: criteria provided, multiple submitters, no conflicts (2 of 4 stars). 3 submissions from 3 submitters: Uncertain significance (3). Last evaluated 2025-10-02.

Conditions:
Long QT syndrome (LQTS). Identifiers: MedGen C0023976, MeSH D008133, MONDO:0002442. Disease mechanism: loss of function. Inheritance: Various modes of inheritance.
Cardiovascular phenotype. Identifiers: MedGen CN230736.

Allele frequency attached by ClinVar (database versions not stated): TOPMed 0.00001; 1000 Genomes Project 0.00020; ExAC 0.00002; gnomAD 0.00002; gnomAD exomes 0.00001; 1000 Genomes Project 30x 0.00016.
gnomAD v4.1: 9 of 1,613,984 alleles (0.00056%); highest among the groups gnomAD compares: Middle Eastern, 0.017%; no homozygotes.

Submissions (3):

Labcorp Genetics (formerly Invitae), Labcorp
Classification: Uncertain significance for Long QT syndrome. Last evaluated: 2025-10-02. Review status: criteria provided, single submitter. Criteria: Invitae Variant Classification Sherloc (09022015). Collection method: clinical testing. Allele origin: germline.
Comment: This sequence change replaces valine, which is neutral and non-polar, with isoleucine, which is neutral and non-polar, at codon 3220 of the ANK2 protein (p.Val3220Ile). This variant is present in population databases (rs535754716, gnomAD 0.009%). This variant has not been reported in the literature in individuals affected with ANK2-related conditions. ClinVar contains an entry for this variant (Variation ID: 2911660). An algorithm developed to predict the effect of missense changes on protein structure and function (PolyPhen-2) suggests that this variant is likely to be tolerated. In summary, the available evidence is currently insufficient to determine the role of this variant in disease. Therefore, it has been classified as a Variant of Uncertain Significance.

Ambry Genetics
Classification: Uncertain significance for Cardiovascular phenotype. Last evaluated: 2025-03-23. Review status: criteria provided, single submitter. Criteria: Ambry Variant Classification Scheme 2023. Collection method: clinical testing. Allele origin: germline.
Comment: The p.V3220I variant (also known as c.9658G>A), located in coding exon 38 of the ANK2 gene, results from a G to A substitution at nucleotide position 9658. The valine at codon 3220 is replaced by isoleucine, an amino acid with highly similar properties. This amino acid position is conserved. In addition, this alteration is predicted to be tolerated by in silico analysis. Based on the available evidence, the clinical significance of this variant remains unclear.

Women's Health and Genetics/Laboratory Corporation of America, LabCorp
Classification: Uncertain significance. Last evaluated: 2024-11-04. Review status: criteria provided, single submitter. Criteria: LabCorp Variant Classification Summary - May 2015. Collection method: clinical testing. Allele origin: germline.
Comment: Variant summary: ANK2 c.9658G>A (p.Val3220Ile) results in a conservative amino acid change in the encoded protein sequence. Five of five in-silico tools predict a benign effect of the variant on protein function. The variant allele was found at a frequency of 1.6e-05 in 250528 control chromosomes. The available data on variant occurrences in the general population are insufficient to allow any conclusion about variant significance. To our knowledge, no occurrence of c.9658G>A in individuals affected with Long QT Syndrome or other ANK2-related disorders and no experimental evidence demonstrating its impact on protein function have been reported. ClinVar contains an entry for this variant (Variation ID: 2911660). Based on the evidence outlined above, the variant was classified as uncertain significance.

NM_001148.6(ANK2):c.9658G>A (p.Val3220Ile)

Gene: ANK2 (ankyrin 2; plus strand). Cytogenetic location: 4q26.
Variant type: single nucleotide variant.
Coding change: c.9658G>A on transcript NM_001148.6 (MANE Select); coding-DNA position 9658, G replaced by A.
Protein change: p.Val3220Ile; replaces valine 3220 with isoleucine.
Molecular consequence: missense variant. On other transcripts: intron variant (68).
Genome position (GRCh38, 1-based): chr4:113,358,276, G>A. VCF-style: chr4-113358276-G-A. GRCh37 (hg19) VCF-style: chr4-114279432-G-A.
Other names: c.9799G>A, p.Val3267Ile (NM_001386174.1); c.9775G>A, p.Val3259Ile (NM_001386175.1); c.4412-2547G>A (NM_001386186.2, NM_001386148.2); c.4214-2547G>A (NM_001354269.3); c.4292-2547G>A (NM_001386187.2); c.4253-2547G>A (NM_001386147.1); c.4271-2547G>A (NM_001386160.1); c.4376-2547G>A (NM_001354254.2); and 35 more; short protein forms V3142I, V2020I, V3259I, V3220I, V3267I.
Identifiers: ClinVar variation 2911660 (VCV002911660.5), dbSNP rs535754716, ClinGen allele CA3051957.